The following is an entry in ClinVar:

NM_144687.4(NLRP12):c.946_963del (p.Glu316_Glu321del)

Gene: NLRP12 (NLR family pyrin domain containing 12; minus strand). Cytogenetic location: 19q13.42.
Variant type: Deletion.
Coding change: c.946_963del on transcript NM_144687.4 (MANE Select); coding-DNA positions 946 to 963, 18 bases deleted (GAGAAACGGCCCACGGAG).
Protein change: p.Glu316_Glu321del.
Molecular consequence: inframe deletion.
Genome position (GRCh38, 1-based): chr19:53,810,696-53,810,713, CTCCGTGGGCCGTTTCTC deleted on the plus strand (GAGAAACGGCCCACGGAG on the coding strand, the reverse complement: NLRP12 is on the minus strand); deleting any 18 consecutive bases within chr19:53,810,696-53,810,717 gives the same sequence; the c. name uses the placement nearest the transcript's 3' end. VCF-style (leftmost placement, unchanged base first): chr19-53810695-GCTCCGTGGGCCGTTTCTC-G. GRCh37 (hg19) VCF-style: chr19-54313949-GCTCCGTGGGCCGTTTCTC-G.
Other names: c.946_963del, p.Glu316_Glu321del (NM_001277126.2, NM_001277129.1).
Identifiers: ClinVar variation 4884130 (VCV004884130.2).
Genomic context (GRCh38, chr19:53,810,695, plus strand): 5'-TGGTGATGAGCAAAGATAGCTCAGGGAGCAGCTTCTTCCGAATTAAGCTGTTAAGAAGCA[GCTCCGTGGGCCGTTTCTC>G]CTCCCAGCAGAGGCACCAGGGTCCCTGAGGATCGTGGAAAGAAGGCTTGAGCTCATCGAA-3'

ClinVar aggregate classification (germline): Uncertain significance (1 of 4 stars; one submission).

Submission:

Dasa
Classification: Uncertain significance. Last evaluated: 2025-06-18. Review status: criteria provided, single submitter. Criteria: DASA Assertion Criteria. Collection method: clinical testing. Allele origin: germline.
Comment: NM_144687.4(NLRP12):c.946_963del (p.Glu316_Glu321del) is an in-frame deletion predicted to remove amino acids from glutamic acid at protein position 316 through glutamic acid at protein position 321 without shifting the reading frame. This variant is absent from population databases. The currently available literature and clinical evidence are not sufficient to establish a definitive association between this variant and the reported condition. Therefore, this variant is classified as a variant of uncertain significance.